The following is an entry in ClinVar:

NM_033305.3(VPS13A):c.65dup (p.Leu22fs)

Genes: VPS13A (vacuolar protein sorting 13 homolog A; plus strand), VPS13A-AS1 (VPS13A antisense RNA 1; minus strand). Cytogenetic location: 9q21.2.
Variant type: Duplication.
Coding change: c.65dup on transcript NM_033305.3 (MANE Select); coding-DNA position 65, one base duplicated (T; older notation c.65dupT).
Protein change: p.Leu22fs; shifts the reading frame from leucine 22.
Molecular consequence: frameshift variant. On other transcripts: non-coding transcript variant (1).
Genome position (GRCh38, 1-based): chr9:77,177,769, T duplicated; the last of 2 consecutive T bases (chr9:77,177,768-77,177,769); duplicating either gives the same sequence. VCF-style (leftmost placement, unchanged base first): chr9-77177767-C-CT. GRCh37 (hg19) VCF-style: chr9-79792683-C-CT.
Other names: c.65dup, p.Leu22fs (NM_001018037.2, NM_001018038.3, NM_015186.4); short protein forms L22fs.
Identifiers: ClinVar variation 5015384 (VCV005015384.1).

ClinVar aggregate classification (germline): Pathogenic (1 of 4 stars; one submission).

Conditions:
VPS13A-related neurodegenerative disease. Also called: LEVINE-CRITCHLEY SYNDROME; Choreoacanthocytosis; Chorea-acanthocytosis; VPS13A Disease; Choreaacanthocytosis; ACANTHOCYTOSIS WITH NEUROLOGIC DISORDER. Identifiers: Orphanet 2388, MedGen C0393576, MONDO:0008695, OMIM 200150.

Submission:

Myriad Genetics, Inc.
Classification: Pathogenic for VPS13A-related neurodegenerative disease. Last evaluated: 2024-05-14. Review status: criteria provided, single submitter. Criteria: Myriad Autosomal Dominant, Autosomal Recessive and X-Linked Classification Criteria (2023). Collection method: clinical testing. Allele origin: unknown.
Comment: NM_033305.2(VPS13A):c.65dupT(L22Ffs*23) is expected to be pathogenic in the context of VPS13A disease. This variant is predicted to lead to an abnormal or absent protein product due to the creation of a premature termination codon in VPS13A, a gene where loss-of-function variants are known to be pathogenic. Please note: this variant was assessed in the context of healthy population screening.